The following is an entry in ClinVar:

NM_001127208.3(TET2):c.1937C>T (p.Thr646Ile)

Genes: TET2 (tet methylcytosine dioxygenase 2; plus strand), TET2-AS1 (TET2 antisense RNA 1; minus strand). Cytogenetic location: 4q24.
Variant type: single nucleotide variant.
Coding change: c.1937C>T on transcript NM_001127208.3 (MANE Select); coding-DNA position 1937, C replaced by T.
Protein change: p.Thr646Ile; replaces threonine 646 with isoleucine.
Molecular consequence: missense variant.
Genome position (GRCh38, 1-based): chr4:105,235,879, C>T. VCF-style: chr4-105235879-C-T. GRCh37 (hg19) VCF-style: chr4-106157036-C-T.
Other names: c.1937C>T, p.Thr646Ile (NM_017628.4); short protein forms T646I.
Identifiers: ClinVar variation 3967600 (VCV003967600.1).

ClinVar aggregate classification (germline): Uncertain significance (1 of 4 stars; one submission).

gnomAD v4.1: 1 of 1,614,028 alleles (0.000062%); highest among the groups gnomAD compares: Non-Finnish European, 0.000085%; no homozygotes.

Submission:

Ambry Genetics
Classification: Uncertain significance. Last evaluated: 2025-04-29. Review status: criteria provided, single submitter. Criteria: Ambry Variant Classification Scheme 2023. Collection method: clinical testing. Allele origin: germline.
Comment: The p.T646I variant (also known as c.1937C>T), located in coding exon 1 of the TET2 gene, results from a C to T substitution at nucleotide position 1937. The threonine at codon 646 is replaced by isoleucine, an amino acid with similar properties. This amino acid position is conserved. In addition, this alteration is predicted to be tolerated by in silico analysis. Based on the available evidence, the clinical significance of this variant remains unclear.